The following is an entry in ClinVar:

ClinVar aggregate classification (germline): Uncertain significance. Review status: criteria provided, multiple submitters, no conflicts (2 of 4 stars). 2 submissions from 2 submitters: Uncertain significance (2). Last evaluated 2023-07-17.

Conditions:
Spastic paraplegia. Identifiers: MedGen C0037772, HP:0001258.
Allan-Herndon-Dudley syndrome (AHDS). Also called: ALLAN-HERNDON SYNDROME; Passos-Bueno syndrome; T3 RESISTANCE; TRIIODOTHYRONINE RESISTANCE; MENTAL RETARDATION AND MUSCULAR ATROPHY. Identifiers: Orphanet 59, MedGen C0795889, MONDO:0010354, OMIM 300523.

Allele frequency attached by ClinVar (database versions not stated): gnomAD exomes below 0.00001; TOPMed 0.00001.
gnomAD v4.1: 3 of 1,211,331 alleles (0.00025%); highest among the groups gnomAD compares: Non-Finnish European, 0.00034%; no homozygotes.

Submissions (2):

Victorian Clinical Genetics Services, Murdoch Childrens Research Institute
Classification: Uncertain significance for Allan-Herndon-Dudley syndrome. Last evaluated: 2023-07-17. Review status: criteria provided, single submitter. Criteria: ACMG Guidelines, 2015. Collection method: clinical testing. Allele origin: germline. Inheritance: X-linked inheritance. Affected: yes.
Comment: Based on the classification scheme VCGS_Germline_v1.3.4, this variant is classified as VUS-3B. Following criteria are met: 0102 - Loss of function is a known mechanism of disease in this gene and is associated with Allan-Herndon-Dudley syndrome (MIM#300523). (I) 0109 - This gene is associated with X-linked disease. Hemizygous males and homozygous or compound heterozygous females are known to be affected with the full range of symptoms associated with Allan-Herndon-Dudley syndrome, while some heterozygous females develop a mild thyroid phenotype but no neurological symptoms (OMIM). (I) 0200 - Variant is predicted to result in a missense amino acid change from isoleucine to threonine. (I) 0253 - This variant is hemizygous. (I) 0301 - Variant is absent from gnomAD (both v2 and v3). (SP) 0502 - Missense variant with conflicting in silico predictions and low conservation. (I) 0603 - Missense variant in a region that is highly intolerant to missense variation (high constraint region in DECIPHER). (SP) 0705 - No comparable missense variants have previous evidence for pathogenicity. (I) 0807 - This variant has no previous evidence of pathogenicity. (I) 0905 - No published segregation evidence has been identified for this variant. (I) 1007 - No published functional evidence has been identified for this variant. (I) Legend: (SP) - Supporting pathogenic, (I) - Information, (SB) - Supporting benign

Labcorp Genetics (formerly Invitae), Labcorp
Classification: Uncertain significance for Spastic paraplegia. Last evaluated: 2022-10-28. Review status: criteria provided, single submitter. Criteria: Invitae Variant Classification Sherloc (09022015). Collection method: clinical testing. Allele origin: germline.
Comment: Advanced modeling of protein sequence and biophysical properties (such as structural, functional, and spatial information, amino acid conservation, physicochemical variation, residue mobility, and thermodynamic stability) performed at Invitae indicates that this missense variant is expected to disrupt SLC16A2 protein function. In summary, the available evidence is currently insufficient to determine the role of this variant in disease. Therefore, it has been classified as a Variant of Uncertain Significance. This variant has not been reported in the literature in individuals affected with SLC16A2-related conditions. This sequence change replaces isoleucine, which is neutral and non-polar, with threonine, which is neutral and polar, at codon 363 of the SLC16A2 protein (p.Ile363Thr). This variant is not present in population databases (gnomAD no frequency).

NM_006517.5(SLC16A2):c.1088T>C (p.Ile363Thr)

Gene: SLC16A2 (solute carrier family 16 member 2; plus strand). Cytogenetic location: Xq13.2.
Variant type: single nucleotide variant.
Coding change: c.1088T>C on transcript NM_006517.5 (MANE Select); coding-DNA position 1088, T replaced by C.
Protein change: p.Ile363Thr; replaces isoleucine 363 with threonine.
Molecular consequence: missense variant.
Genome position (GRCh38, 1-based): chrX:74,525,811, T>C. VCF-style: chrX-74525811-T-C. GRCh37 (hg19) VCF-style: chrX-73745646-T-C.
Other names: c.1088T>C (NM_006517.4); short protein forms I363T.
Identifiers: ClinVar variation 2420966 (VCV002420966.8), dbSNP rs1930479467, ClinGen allele CA413657970.